The following is an entry in ClinVar:

NM_000053.4(ATP7B):c.811T>C (p.Cys271Arg)

Gene: ATP7B (ATPase copper transporting beta; minus strand). Cytogenetic location: 13q14.3.
Variant type: single nucleotide variant.
Coding change: c.811T>C on transcript NM_000053.4 (MANE Select); coding-DNA position 811, T replaced by C.
Protein change: p.Cys271Arg; replaces cysteine 271 with arginine.
Molecular consequence: missense variant. On other transcripts: intron variant (1).
Genome position (GRCh38, 1-based): chr13:51,974,409, A>G on the plus strand (T>C on the coding strand, the complement: ATP7B is on the minus strand). VCF-style: chr13-51974409-A-G. GRCh37 (hg19) VCF-style: chr13-52548545-A-G.
Other names: c.811T>C, p.Cys271Arg (NM_001005918.3, NM_001330578.2, NM_001330579.2); c.802+9T>C (NM_001243182.2); c.811T>C (NM_000053.3); short protein forms C271R.
Identifiers: ClinVar variation 591036 (VCV000591036.5), dbSNP rs1349622044, ClinGen allele CA388041238.

ClinVar aggregate classification (germline): Uncertain significance. Review status: criteria provided, multiple submitters, no conflicts (2 of 4 stars). 5 submissions from 5 submitters: Uncertain significance (4). 1 of the submissions does not count toward it. Last evaluated 2024-02-12.

Conditions:
Wilson disease (WND). Also called: Wilson's disease. Identifiers: Orphanet 905, MedGen C0019202, MONDO:0010200, OMIM 277900. Disease mechanism: loss of function.
Inborn genetic diseases. Identifiers: MedGen C0950123, MeSH D030342.

Allele frequency attached by ClinVar (database versions not stated): gnomAD exomes below 0.00001; gnomAD 0.00001.
gnomAD v4.1: 2 of 1,613,898 alleles (0.00012%); highest among the groups gnomAD compares: Admixed American, 0.0033%; no homozygotes.

Submissions (5):

Fulgent Genetics
Classification: Uncertain significance for Wilson disease. Last evaluated: 2024-02-12. Review status: criteria provided, single submitter. Criteria: ACMG Guidelines, 2015. Collection method: clinical testing. Allele origin: germline.

All of Us Research Program, National Institutes of Health
Classification: Uncertain significance for Wilson disease. Last evaluated: 2023-10-06. Review status: criteria provided, single submitter. Criteria: ACMG Guidelines, 2015. Collection method: clinical testing. Allele origin: germline. Inheritance: Autosomal recessive inheritance. Observed: 1 variant allele, 1 heterozygote.
Comment: This missense variant replaces cysteine with arginine at codon 271 of the ATP7B protein. Computational prediction suggests that this variant may have deleterious impact on protein structure and function (internally defined REVEL score threshold >= 0.7, PMID: 27666373). To our knowledge, functional studies have not been reported for this variant. This variant has not been reported in individuals affected with ATP7B-related disorders in the literature. This variant has been identified in 1/31384 chromosomes in the general population by the Genome Aggregation Database (gnomAD). The available evidence is insufficient to determine the role of this variant in disease conclusively. Therefore, this variant is classified as a Variant of Uncertain Significance.

This study involves interpretation of variants in research participants for the purpose of population health screening. Participant phenotype was not available at the time of variant classification. Additional details can be found in publication PMID: 35346344, PMCID: PMC8962531

Labcorp Genetics (formerly Invitae), Labcorp
Classification: Uncertain significance for Wilson disease. Last evaluated: 2022-08-22. Review status: criteria provided, single submitter. Criteria: Invitae Variant Classification Sherloc (09022015). Collection method: clinical testing. Allele origin: germline.
Comment: This sequence change replaces cysteine, which is neutral and slightly polar, with arginine, which is basic and polar, at codon 271 of the ATP7B protein (p.Cys271Arg). This variant is present in population databases (no rsID available, gnomAD 0.1%). This variant has not been reported in the literature in individuals affected with ATP7B-related conditions. ClinVar contains an entry for this variant (Variation ID: 591036). Advanced modeling of protein sequence and biophysical properties (such as structural, functional, and spatial information, amino acid conservation, physicochemical variation, residue mobility, and thermodynamic stability) performed at Invitae indicates that this missense variant is expected to disrupt ATP7B protein function. In summary, the available evidence is currently insufficient to determine the role of this variant in disease. Therefore, it has been classified as a Variant of Uncertain Significance.

Ambry Genetics
Classification: Uncertain significance for Inborn genetic diseases. Last evaluated: 2022-02-01. Review status: criteria provided, single submitter. Criteria: Ambry Variant Classification Scheme 2023. Collection method: clinical testing. Allele origin: germline.

Gharavi Laboratory, Columbia University
Classification: Uncertain significance. Last evaluated: 2018-09-16. Review status: no assertion criteria provided. Criteria: ACMG Guidelines, 2015. Collection method: research. Allele origin: germline. Affected: yes. Not counted in ClinVar's aggregate classification.

Literature cited by the submitters: PubMed 30254379 (cited by Ambry Genetics).